The following is an entry in ClinVar:

ClinVar aggregate classification (germline): Uncertain significance (1 of 4 stars; one submission).

Submission:

Labcorp Genetics (formerly Invitae), Labcorp
Classification: Uncertain significance. Last evaluated: 2022-05-06. Review status: criteria provided, single submitter. Criteria: Invitae Variant Classification Sherloc (09022015). Collection method: clinical testing. Allele origin: germline.
Comment: This variant is not present in population databases (gnomAD no frequency). In summary, the available evidence is currently insufficient to determine the role of this variant in disease. Therefore, it has been classified as a Variant of Uncertain Significance. Algorithms developed to predict the effect of sequence changes on RNA splicing suggest that this variant may disrupt the consensus splice site. This variant has not been reported in the literature in individuals affected with DNAJC21-related conditions. This sequence change affects codon 387 of the DNAJC21 mRNA. It is a 'silent' change, meaning that it does not change the encoded amino acid sequence of the DNAJC21 protein.

NM_001012339.3(DNAJC21):c.1161G>A (p.Lys387=)

Gene: DNAJC21 (DnaJ heat shock protein family (Hsp40) member C21; plus strand). Cytogenetic location: 5p13.2.
Variant type: single nucleotide variant.
Coding change: c.1161G>A on transcript NM_001012339.3 (MANE Select); coding-DNA position 1161, G replaced by A.
Protein change: p.Lys387=; no amino-acid change (lysine 387 retained).
Molecular consequence: synonymous variant.
Genome position (GRCh38, 1-based): chr5:34,945,779, G>A. VCF-style: chr5-34945779-G-A. GRCh37 (hg19) VCF-style: chr5-34945884-G-A.
Other names: c.1200G>A, p.Lys400= (NM_001348420.2); c.1161G>A, p.Lys387= (NM_194283.4).
Identifiers: ClinVar variation 2134692 (VCV002134692.4), dbSNP rs2480636037, ClinGen allele CA443887205.